The following is an entry in ClinVar:

ClinVar aggregate classification (germline): Likely benign (1 of 4 stars; one submission).

gnomAD v4.1: 1 of 1,612,616 alleles (0.000062%); no homozygotes.

Submission:

GeneDx
Classification: Likely benign. Last evaluated: 2017-02-16. Review status: criteria provided, single submitter. Criteria: GeneDx Variant Classification (06012015). Collection method: clinical testing. Allele origin: germline. Affected: yes.
Comment: This variant is considered likely benign or benign based on one or more of the following criteria: it is a conservative change, it occurs at a poorly conserved position in the protein, it is predicted to be benign by multiple in silico algorithms, and/or has population frequency not consistent with disease.

NM_007124.3(UTRN):c.405+3G>A

Gene: UTRN (utrophin; plus strand). Cytogenetic location: 6q24.2.
Variant type: single nucleotide variant.
Coding change: c.405+3G>A on transcript NM_007124.3 (MANE Select); 3 bases into the intron after coding-DNA position 405, G replaced by A.
Molecular consequence: intron variant.
Genome position (GRCh38, 1-based): chr6:144,424,081, G>A. VCF-style: chr6-144424081-G-A. GRCh37 (hg19) VCF-style: chr6-144745217-G-A.
Identifiers: ClinVar variation 517721 (VCV000517721.1), dbSNP rs1554249679, ClinGen allele CA658796839.
Genomic context (GRCh38, chr6:144,424,081, plus strand): 5'-GGATGGAAATCACAAACTGACTTTGGGGTTACTTTGGAGCATCATTTTGCACTGGCAGGT[G>A]GGGAAATTTCCAATCACTTTTTAATAGAGATGGAAAATGTGTTGTTTGTCTTTTAGTTTC-3'